The following is an entry in ClinVar:

ClinVar aggregate classification (germline): Uncertain significance (1 of 4 stars; one submission).

Submission:

Ambry Genetics
Classification: Uncertain significance. Last evaluated: 2023-09-14. Review status: criteria provided, single submitter. Criteria: Ambry Variant Classification Scheme 2023. Collection method: clinical testing. Allele origin: germline.
Comment: The p.L739F variant (also known as c.2217G>T), located in coding exon 15 of the RINT1 gene, results from a G to T substitution at nucleotide position 2217. The leucine at codon 739 is replaced by phenylalanine, an amino acid with highly similar properties. This amino acid position is conserved. In addition, this alteration is predicted to be tolerated by in silico analysis. Since supporting evidence is limited at this time, the clinical significance of this alteration remains unclear.

NM_021930.6(RINT1):c.2217G>T (p.Leu739Phe)

Genes: EFCAB10 (EF-hand calcium binding domain 10; minus strand), RINT1 (RAD50 interactor 1; plus strand). Cytogenetic location: 7q22.3.
Variant type: single nucleotide variant.
Coding change: c.2217G>T on transcript NM_021930.6 (MANE Select); coding-DNA position 2217, G replaced by T.
Protein change: p.Leu739Phe; replaces leucine 739 with phenylalanine.
Molecular consequence: missense variant. On other transcripts: 3 prime UTR variant (2), non-coding transcript variant (1), intron variant (3).
Genome position (GRCh38, 1-based): chr7:105,567,149, G>T. VCF-style: chr7-105567149-G-T. GRCh37 (hg19) VCF-style: chr7-105207596-G-T.
Other names: c.*305C>A (NM_001355527.2, NM_001355529.2); c.1983G>T, p.Leu661Phe (NM_001346599.2); c.1194G>T, p.Leu398Phe (NM_001346600.2, NM_001346603.2); c.1293G>T, p.Leu431Phe (NM_001346601.2); c.360-1702C>A (NM_001355531.2); c.383+318C>A (NM_001355526.2, NM_001355530.2); short protein forms L398F, L431F, L739F, L661F.
Identifiers: ClinVar variation 2625535 (VCV002625535.2), dbSNP rs2485201564, ClinGen allele CA368815419.
Genomic context (GRCh38, chr7:105,567,149, plus strand): 5'-TCATTTCCCTCCTTTGTTTTCCCTAAACAGTATAAAAGAAGCCTGTATTGTTTTGAATTT[G>T]AACGTCGGTTCTGCACTACTGCTGAAAGATGTACTGCAGTCAGCTTCAGGGCAGCTTCCT-3'
Protein context (NP_068749.3, residues 729-749): HIKEACIVLN[Leu739Phe]NVGSALLLKD